The following is an entry in ClinVar:

ClinVar aggregate classification (germline): Pathogenic (1 of 4 stars; one submission).

Submission:

CeGaT Center for Human Genetics Tuebingen
Classification: Pathogenic. Last evaluated: 2024-02-01. Review status: criteria provided, single submitter. Criteria: CeGaT Center For Human Genetics Tuebingen Variant Classification Criteria Version 2. Collection method: clinical testing. Allele origin: germline. Affected: yes. Observed: 2 variant alleles.
Comment: PHEX: PVS1, PM2

NM_000444.6(PHEX):c.329dup (p.Asn110fs)

Gene: PHEX (phosphate regulating endopeptidase X-linked; plus strand). Cytogenetic location: Xp22.11.
Variant type: Duplication.
Coding change: c.329dup on transcript NM_000444.6 (MANE Select); coding-DNA position 329, one base duplicated (A; older notation c.329dupA).
Protein change: p.Asn110fs; shifts the reading frame from asparagine 110.
Molecular consequence: frameshift variant.
Genome position (GRCh38, 1-based): chrX:22,047,191, A duplicated; the last of 2 consecutive A bases (chrX:22,047,190-22,047,191); duplicating either gives the same sequence. VCF-style (leftmost placement, unchanged base first): chrX-22047189-T-TA. GRCh37 (hg19) VCF-style: chrX-22065307-T-TA.
Other names: c.329dup, p.Asn110fs (NM_001282754.2); short protein forms N110fs.
Identifiers: ClinVar variation 3027352 (VCV003027352.22), dbSNP rs2519722627, ClinGen allele CA2740092060.